The following is an entry in ClinVar:

NM_016247.4(IMPG2):c.3600A>G (p.Arg1200=)

Gene: IMPG2 (interphotoreceptor matrix proteoglycan 2; minus strand). Cytogenetic location: 3q12.3.
Variant type: single nucleotide variant.
Coding change: c.3600A>G on transcript NM_016247.4 (MANE Select); coding-DNA position 3600, A replaced by G.
Protein change: p.Arg1200=; no amino-acid change (arginine 1200 retained).
Molecular consequence: synonymous variant.
Genome position (GRCh38, 1-based): chr3:101,229,413, T>C on the plus strand (A>G on the coding strand, the complement: IMPG2 is on the minus strand). VCF-style: chr3-101229413-T-C. GRCh37 (hg19) VCF-style: chr3-100948257-T-C.
Identifiers: ClinVar variation 709664 (VCV000709664.14), dbSNP rs139944942, ClinGen allele CA2518716.

ClinVar aggregate classification (germline): Likely benign. Review status: criteria provided, multiple submitters, no conflicts (2 of 4 stars). 3 submissions from 3 submitters: Likely benign (2). 1 of the submissions does not count toward it. Last evaluated 2026-01-12.

Conditions:
IMPG2-related disorder. Also called: IMPG2-related condition.

Allele frequency attached by ClinVar (database versions not stated): gnomAD exomes 0.00006 and 0.00014; ExAC 0.00020; gnomAD 0.00057 and 0.00059; TOPMed 0.00075; ESP Exome Variant Server 0.00077; 1000 Genomes Project 30x 0.00094; 1000 Genomes Project 0.00100.
gnomAD v4.1: 192 of 1,611,142 alleles (0.012%); highest among the groups gnomAD compares: African/African-American, 0.21%; no homozygotes.

Submissions (3):

Labcorp Genetics (formerly Invitae), Labcorp
Classification: Likely benign. Last evaluated: 2026-01-12. Review status: criteria provided, single submitter. Criteria: Invitae Variant Classification Sherloc (09022015). Collection method: clinical testing. Allele origin: germline.

Blueprint Genetics
Classification: Likely benign. Last evaluated: 2024-05-16. Review status: criteria provided, single submitter. Criteria: ACMG Guidelines, 2015. Collection method: clinical testing. Allele origin: germline.

PreventionGenetics, part of Exact Sciences
Classification: Likely benign for IMPG2-related condition. Last evaluated: 2019-05-24. Review status: no assertion criteria provided. Collection method: clinical testing. Allele origin: germline. Not counted in ClinVar's aggregate classification.
Comment: This variant is classified as likely benign based on ACMG/AMP sequence variant interpretation guidelines (Richards et al. 2015 PMID: 25741868, with internal and published modifications).